The following is an entry in ClinVar:

ClinVar aggregate classification (germline): Likely benign (1 of 4 stars; one submission).

gnomAD v4.1: 25 of 1,605,964 alleles (0.0016%); highest among the groups gnomAD compares: Non-Finnish European, 0.0019%; no homozygotes.

Submission:

Mayo Clinic Laboratories, Mayo Clinic
Classification: Likely benign. Last evaluated: 2025-05-12. Review status: criteria provided, single submitter. Criteria: ACMG Guidelines, 2015. Collection method: clinical testing. Allele origin: germline. Observed: 1 variant allele.
Comment: BP4, BP7

NM_001377137.1(GBF1):c.498G>T (p.Arg166=)

Gene: GBF1 (golgi brefeldin A resistant guanine nucleotide exchange factor 1; plus strand). Cytogenetic location: 10q24.32.
Variant type: single nucleotide variant.
Coding change: c.498G>T on transcript NM_001377137.1 (MANE Select); coding-DNA position 498, G replaced by T.
Protein change: p.Arg166=; no amino-acid change (arginine 166 retained).
Molecular consequence: synonymous variant. On other transcripts: non-coding transcript variant (5).
Genome position (GRCh38, 1-based): chr10:102,351,926, G>T. VCF-style: chr10-102351926-G-T. GRCh37 (hg19) VCF-style: chr10-104111683-G-T.
Other names: p.Arg166=; c.498G>T, p.Arg166= (NM_001199378.2, NM_001199379.2, NM_001377138.1 and 16 more transcripts).
Identifiers: ClinVar variation 4683540 (VCV004683540.1).